The following is an entry in ClinVar:

ClinVar aggregate classification (germline): Conflicting classifications of pathogenicity. Review status: criteria provided, conflicting classifications (1 of 4 stars). 3 submissions from 3 submitters: Uncertain significance (1); Benign (1); Likely benign (1). Last evaluated 2026-01-20.

Conditions:
Junctional epidermolysis bullosa. Identifiers: Orphanet 305, MedGen C0079301, MONDO:0017612.
LAMC2-related disorder. Also called: LAMC2-related condition.

Allele frequency attached by ClinVar (database versions not stated): 1000 Genomes Project 0.00040; 1000 Genomes Project 30x 0.00062; gnomAD exomes 0.00101 and 0.00152; TOPMed 0.00111; gnomAD 0.00116 and 0.00117; ExAC 0.00120; ESP Exome Variant Server 0.00185.
gnomAD v4.1: 2,351 of 1,599,604 alleles (0.15%); highest among the groups gnomAD compares: Non-Finnish European, 0.19%; 5 homozygotes.

Submissions (3):

Labcorp Genetics (formerly Invitae), Labcorp
Classification: Benign. Last evaluated: 2026-01-20. Review status: criteria provided, single submitter. Criteria: Invitae Variant Classification Sherloc (09022015). Collection method: clinical testing. Allele origin: germline.

PreventionGenetics, part of Exact Sciences
Classification: Likely benign for LAMC2-related condition. Last evaluated: 2025-03-13. Review status: criteria provided, single submitter. Criteria: ACMG Guidelines, 2015. Collection method: clinical testing. Allele origin: germline.
Comment: This variant is classified as likely benign based on ACMG/AMP sequence variant interpretation guidelines (Richards et al. 2015 PMID: 25741868, with internal and published modifications).

Illumina Laboratory Services, Illumina
Classification: Uncertain significance for Junctional epidermolysis bullosa. Last evaluated: 2018-01-13. Review status: criteria provided, single submitter. Criteria: ICSL Variant Classification Criteria 13 December 2019. Collection method: clinical testing. Allele origin: germline.

NM_005562.3(LAMC2):c.80-6C>T

Gene: LAMC2 (laminin subunit gamma 2; plus strand). Cytogenetic location: 1q25.3.
Variant type: single nucleotide variant.
Coding change: c.80-6C>T on transcript NM_005562.3 (MANE Select); 6 bases into the intron before coding-DNA position 80, C replaced by T.
Molecular consequence: intron variant.
Genome position (GRCh38, 1-based): chr1:183,207,875, C>T. VCF-style: chr1-183207875-C-T. GRCh37 (hg19) VCF-style: chr1-183177010-C-T.
Other names: c.80-6C>T (NM_018891.3).
Identifiers: ClinVar variation 293986 (VCV000293986.16), dbSNP rs78056473, ClinGen allele CA1282235.
Genomic context (GRCh38, chr1:183,207,875, plus strand): 5'-GCTAGAACAGTTCCTGAGGTGTTTTTTTTTTTTTTTGACGATCTCTTTTGTATGCTTCCT[C>T]CCCAGTCTGTGATTGCAATGGGAAGTCCAGGCAGTGTATCTTTGATCGGGAACTTCACAG-3'